The following is an entry in ClinVar:

ClinVar aggregate classification (germline): Uncertain significance. Review status: criteria provided, multiple submitters, no conflicts (2 of 4 stars). 2 submissions from 2 submitters: Uncertain significance (2). Last evaluated 2025-03-19.

Conditions:
Hereditary cancer-predisposing syndrome. Also called: Tumor predisposition; Hereditary neoplastic syndrome; Neoplastic Syndromes, Hereditary; Hereditary Cancer Syndrome. Identifiers: Orphanet 140162, MedGen C0027672, MeSH D009386, MONDO:0015356.
Hereditary breast ovarian cancer syndrome. Also called: BRCA1- and BRCA2-Associated Hereditary Breast and Ovarian Cancer; Hereditary breast and ovarian cancer; Hereditary breast and/or ovarian cancer syndrome; Hereditary breast and ovarian cancer syndrome; Hereditary breast and ovarian cancer syndrome (HBOC); Breast and ovarian cancer. Identifiers: Orphanet 145, MedGen C0677776, MeSH D061325, MONDO:0003582. Disease mechanism: loss of function.

Submissions (2):

Ambry Genetics
Classification: Uncertain significance for Hereditary cancer-predisposing syndrome. Last evaluated: 2025-03-19. Review status: criteria provided, single submitter. Criteria: Ambry Variant Classification Scheme 2023. Collection method: clinical testing. Allele origin: germline.
Comment: The p.S197Y variant (also known as c.590C>A), located in coding exon 6 of the BRCA2 gene, results from a C to A substitution at nucleotide position 590. The serine at codon 197 is replaced by tyrosine, an amino acid with dissimilar properties. This amino acid position is highly conserved in available vertebrate species. In addition, this alteration is predicted to be tolerated by in silico analysis. Based on the available evidence, the clinical significance of this variant remains unclear.

Labcorp Genetics (formerly Invitae), Labcorp
Classification: Uncertain significance for Hereditary breast ovarian cancer syndrome. Last evaluated: 2025-02-26. Review status: criteria provided, single submitter. Criteria: Invitae Variant Classification Sherloc (09022015). Collection method: clinical testing. Allele origin: germline.
Comment: This sequence change replaces serine, which is neutral and polar, with tyrosine, which is neutral and polar, at codon 197 of the BRCA2 protein (p.Ser197Tyr). This variant is not present in population databases (gnomAD no frequency). This variant has not been reported in the literature in individuals affected with BRCA2-related conditions. ClinVar contains an entry for this variant (Variation ID: 1360786). Invitae Evidence Modeling of protein sequence and biophysical properties (such as structural, functional, and spatial information, amino acid conservation, physicochemical variation, residue mobility, and thermodynamic stability) indicates that this missense variant is not expected to disrupt BRCA2 protein function with a negative predictive value of 95%. In summary, the available evidence is currently insufficient to determine the role of this variant in disease. Therefore, it has been classified as a Variant of Uncertain Significance.

NM_000059.4(BRCA2):c.590C>A (p.Ser197Tyr)

Gene: BRCA2 (BRCA2 DNA repair associated; plus strand). Cytogenetic location: 13q13.1.
Variant type: single nucleotide variant.
Coding change: c.590C>A on transcript NM_000059.4 (MANE Select); coding-DNA position 590, C replaced by A.
Protein change: p.Ser197Tyr; replaces serine 197 with tyrosine.
Molecular consequence: missense variant.
Genome position (GRCh38, 1-based): chr13:32,326,572, C>A. VCF-style: chr13-32326572-C-A. GRCh37 (hg19) VCF-style: chr13-32900709-C-A.
Other names: c.590C>A (NM_000059.3); short protein forms S197Y.
Identifiers: ClinVar variation 1360786 (VCV001360786.9), dbSNP rs876659940, ClinGen allele CA387758140.
Genomic context (GRCh38, chr13:32,326,572, plus strand): 5'-CAAAACATATTTCTGAAAGTCTAGGAGCTGAGGTGGATCCTGATATGTCTTGGTCAAGTT[C>A]TTTAGCTACACCACCCACCCTTAGTTCTACTGTGCTCATAGGTAATAATAGCAAATGTGT-3'
Protein context (NP_000050.3, residues 187-207): EVDPDMSWSS[Ser197Tyr]LATPPTLSST